The following is an entry in ClinVar:

ClinVar aggregate classification (germline): Uncertain significance. Review status: criteria provided, multiple submitters, no conflicts (2 of 4 stars). 3 submissions from 3 submitters: Uncertain significance (3). Last evaluated 2026-01-12.

Conditions:
Inborn genetic diseases. Identifiers: MedGen C0950123, MeSH D030342.

Allele frequency attached by ClinVar (database versions not stated): gnomAD exomes 0.00003; ExAC 0.00007; ESP Exome Variant Server 0.00015; gnomAD 0.00016; 1000 Genomes Project 30x 0.00031; 1000 Genomes Project 0.00040.
gnomAD v4.1: 78 of 1,614,200 alleles (0.0048%); highest among the groups gnomAD compares: African/African-American, 0.067%; no homozygotes.

Submissions (3):

Labcorp Genetics (formerly Invitae), Labcorp
Classification: Uncertain significance. Last evaluated: 2026-01-12. Review status: criteria provided, single submitter. Criteria: Invitae Variant Classification Sherloc (09022015). Collection method: clinical testing. Allele origin: germline.
Comment: This sequence change replaces arginine, which is basic and polar, with glutamine, which is neutral and polar, at codon 811 of the BMP1 protein (p.Arg811Gln). This variant is present in population databases (rs151245981, gnomAD 0.07%). This variant has not been reported in the literature in individuals affected with BMP1-related conditions. ClinVar contains an entry for this variant (Variation ID: 2070155). Invitae Evidence Modeling of protein sequence and biophysical properties (such as structural, functional, and spatial information, amino acid conservation, physicochemical variation, residue mobility, and thermodynamic stability) indicates that this missense variant is not expected to disrupt BMP1 protein function with a negative predictive value of 80%. In summary, the available evidence is currently insufficient to determine the role of this variant in disease. Therefore, it has been classified as a Variant of Uncertain Significance.

Blueprint Genetics
Classification: Uncertain significance. Last evaluated: 2024-10-28. Review status: criteria provided, single submitter. Criteria: ACMG Guidelines, 2015. Collection method: clinical testing. Allele origin: germline.

Ambry Genetics
Classification: Uncertain significance for Inborn genetic diseases. Last evaluated: 2024-02-12. Review status: criteria provided, single submitter. Criteria: Ambry Variant Classification Scheme 2023. Collection method: clinical testing. Allele origin: germline.

NM_006129.5(BMP1):c.2432G>A (p.Arg811Gln)

Gene: BMP1 (bone morphogenetic protein 1; plus strand). Cytogenetic location: 8p21.3.
Variant type: single nucleotide variant.
Coding change: c.2432G>A on transcript NM_006129.5 (MANE Select); coding-DNA position 2432, G replaced by A.
Protein change: p.Arg811Gln; replaces arginine 811 with glutamine.
Molecular consequence: missense variant. On other transcripts: non-coding transcript variant (1).
Genome position (GRCh38, 1-based): chr8:22,207,373, G>A. VCF-style: chr8-22207373-G-A. GRCh37 (hg19) VCF-style: chr8-22064886-G-A.
Other names: c.2432G>A (NM_006129.4); short protein forms R811Q.
Identifiers: ClinVar variation 2070155 (VCV002070155.4), dbSNP rs151245981, ClinGen allele CA4665243.
Genomic context (GRCh38, chr8:22,207,373, plus strand): 5'-AGATGGACATCGAGTCCCAGCCTGAGTGTGCCTACGACCACCTAGAGGTGTTCGACGGGC[G>A]AGACGCCAAGGCCCCCGTCCTCGGCCGCTTCTGTGGGAGCAAGAAGCCCGAGCCCGTCCT-3'
Protein context (NP_006120.1, residues 801-821): AYDHLEVFDG[Arg811Gln]DAKAPVLGRF